The following is an entry in ClinVar:

ClinVar aggregate classification (germline): Uncertain significance (1 of 4 stars; one submission).

Conditions:
Joubert syndrome. Also called: Familial aplasia of the vermis; CEREBELLOPARENCHYMAL DISORDER IV; JOUBERT-BOLTSHAUSER SYNDROME. Identifiers: Orphanet 475, MedGen C5979921, MONDO:0018772.

Allele frequency attached by ClinVar (database versions not stated): gnomAD 0.00001.
gnomAD v4.1: 1 of 1,612,040 alleles (0.000062%); highest among the groups gnomAD compares: African/African-American, 0.0013%; no homozygotes.

Submission:

Labcorp Genetics (formerly Invitae), Labcorp
Classification: Uncertain significance for Joubert syndrome. Last evaluated: 2020-10-08. Review status: criteria provided, single submitter. Criteria: Invitae Variant Classification Sherloc (09022015). Collection method: clinical testing. Allele origin: germline.
Comment: This variant is not present in population databases (ExAC no frequency). This sequence change replaces proline with leucine at codon 695 of the AHI1 protein (p.Pro695Leu). The proline residue is highly conserved and there is a moderate physicochemical difference between proline and leucine. In summary, the available evidence is currently insufficient to determine the role of this variant in disease. Therefore, it has been classified as a Variant of Uncertain Significance. Advanced modeling of protein sequence and biophysical properties (such as structural, functional, and spatial information, amino acid conservation, physicochemical variation, residue mobility, and thermodynamic stability) performed at Invitae indicates that this missense variant is expected to disrupt AHI1 protein function. This variant has not been reported in the literature in individuals with AHI1-related conditions.

NM_001134831.2(AHI1):c.2084C>T (p.Pro695Leu)

Gene: AHI1 (Abelson helper integration site 1; minus strand). Cytogenetic location: 6q23.3.
Variant type: single nucleotide variant.
Coding change: c.2084C>T on transcript NM_001134831.2 (MANE Select); coding-DNA position 2084, C replaced by T.
Protein change: p.Pro695Leu; replaces proline 695 with leucine.
Molecular consequence: missense variant.
Genome position (GRCh38, 1-based): chr6:135,433,209, G>A on the plus strand (C>T on the coding strand, the complement: AHI1 is on the minus strand). VCF-style: chr6-135433209-G-A. GRCh37 (hg19) VCF-style: chr6-135754347-G-A.
Other names: c.2084C>T, p.Pro695Leu (NM_001134830.2, NM_001134832.2, NM_001350503.2 and 2 more transcripts); short protein forms P695L.
Identifiers: ClinVar variation 1010633 (VCV001010633.9), dbSNP rs1784911034, ClinGen allele CA365743740.